The following is an entry in ClinVar:

ClinVar aggregate classification (germline): Uncertain significance (1 of 4 stars; one submission).

Allele frequency attached by ClinVar (database versions not stated): 1000 Genomes Project 30x 0.00016; TOPMed 0.00039.
gnomAD v4.1: 115 of 1,207,444 alleles (0.0095%); highest among the groups gnomAD compares: African/African-American, 0.15%; 1 homozygote.

Submission:

Labcorp Genetics (formerly Invitae), Labcorp
Classification: Uncertain significance. Last evaluated: 2022-10-13. Review status: criteria provided, single submitter. Criteria: Invitae Variant Classification Sherloc (09022015). Collection method: clinical testing. Allele origin: germline.
Comment: This sequence change replaces alanine, which is neutral and non-polar, with valine, which is neutral and non-polar, at codon 6 of the PKDCC protein (p.Ala6Val). The frequency data for this variant in the population databases is considered unreliable, as metrics indicate poor data quality at this position in the gnomAD database. This variant has not been reported in the literature in individuals affected with PKDCC-related conditions. ClinVar contains an entry for this variant (Variation ID: 1501380). Algorithms developed to predict the effect of missense changes on protein structure and function (SIFT, PolyPhen-2, Align-GVGD) all suggest that this variant is likely to be tolerated. In summary, the available evidence is currently insufficient to determine the role of this variant in disease. Therefore, it has been classified as a Variant of Uncertain Significance.

NM_138370.3(PKDCC):c.17C>T (p.Ala6Val)

Genes: PKDCC (protein kinase domain containing, cytoplasmic; plus strand), LOC129933563 (ATAC-STARR-seq lymphoblastoid silent region 11396; plus strand). Cytogenetic location: 2p21.
Variant type: single nucleotide variant.
Coding change: c.17C>T on transcript NM_138370.3 (MANE Select); coding-DNA position 17, C replaced by T.
Protein change: p.Ala6Val; replaces alanine 6 with valine.
Molecular consequence: missense variant.
Genome position (GRCh38, 1-based): chr2:42,048,216, C>T. VCF-style: chr2-42048216-C-T. GRCh37 (hg19) VCF-style: chr2-42275356-C-T.
Other names: short protein forms A6V.
Identifiers: ClinVar variation 1501380 (VCV001501380.5), dbSNP rs758398844, ClinGen allele CA1627888.